The following is an entry in ClinVar:

NM_000121.4(EPOR):c.620T>C (p.Leu207Pro)

Gene: EPOR (erythropoietin receptor; minus strand). Cytogenetic location: 19p13.2.
Variant type: single nucleotide variant.
Coding change: c.620T>C on transcript NM_000121.4 (MANE Select); coding-DNA position 620, T replaced by C.
Protein change: p.Leu207Pro; replaces leucine 207 with proline.
Molecular consequence: missense variant. On other transcripts: non-coding transcript variant (1).
Genome position (GRCh38, 1-based): chr19:11,381,175, A>G on the plus strand (T>C on the coding strand, the complement: EPOR is on the minus strand). VCF-style: chr19-11381175-A-G. GRCh37 (hg19) VCF-style: chr19-11491851-A-G.
Other names: short protein forms L207P.
Identifiers: ClinVar variation 3677577 (VCV003677577.2).

ClinVar aggregate classification (germline): Uncertain significance (1 of 4 stars; one submission).

gnomAD v4.1: 1 of 1,552,172 alleles (0.000064%); highest among the groups gnomAD compares: Middle Eastern, 0.02%; no homozygotes.

Submission:

Labcorp Genetics (formerly Invitae), Labcorp
Classification: Uncertain significance. Last evaluated: 2024-03-01. Review status: criteria provided, single submitter. Criteria: Invitae Variant Classification Sherloc (09022015). Collection method: clinical testing. Allele origin: germline.
Comment: This sequence change replaces leucine, which is neutral and non-polar, with proline, which is neutral and non-polar, at codon 207 of the EPOR protein (p.Leu207Pro). This variant is not present in population databases (gnomAD no frequency). This variant has not been reported in the literature in individuals affected with EPOR-related conditions. An algorithm developed to predict the effect of missense changes on protein structure and function (PolyPhen-2) suggests that this variant is likely to be disruptive. In summary, the available evidence is currently insufficient to determine the role of this variant in disease. Therefore, it has been classified as a Variant of Uncertain Significance.